The following is an entry in ClinVar:

ClinVar aggregate classification (germline): Uncertain significance (1 of 4 stars; one submission).

Conditions:
Holoprosencephaly 5 (HPE5). Identifiers: Orphanet 2162, MedGen C1864827, MONDO:0012322, OMIM 609637.

Allele frequency attached by ClinVar (database versions not stated): gnomAD exomes 0.00001.

Submission:

Labcorp Genetics (formerly Invitae), Labcorp
Classification: Uncertain significance for Holoprosencephaly 5. Last evaluated: 2022-12-30. Review status: criteria provided, single submitter. Criteria: Invitae Variant Classification Sherloc (09022015). Collection method: clinical testing. Allele origin: germline.
Comment: The frequency data for this variant in the population databases is considered unreliable, as metrics indicate poor data quality at this position in the gnomAD database. In summary, the available evidence is currently insufficient to determine the role of this variant in disease. Therefore, it has been classified as a Variant of Uncertain Significance. Advanced modeling of protein sequence and biophysical properties (such as structural, functional, and spatial information, amino acid conservation, physicochemical variation, residue mobility, and thermodynamic stability) performed at Invitae indicates that this missense variant is not expected to disrupt ZIC2 protein function. This variant has not been reported in the literature in individuals affected with ZIC2-related conditions. This sequence change replaces phenylalanine, which is neutral and non-polar, with leucine, which is neutral and non-polar, at codon 121 of the ZIC2 protein (p.Phe121Leu).

NM_007129.5(ZIC2):c.363C>A (p.Phe121Leu)

Gene: ZIC2 (Zic family zinc finger 2; plus strand). Cytogenetic location: 13q32.3.
Variant type: single nucleotide variant.
Coding change: c.363C>A on transcript NM_007129.5 (MANE Select); coding-DNA position 363, C replaced by A.
Protein change: p.Phe121Leu; replaces phenylalanine 121 with leucine.
Molecular consequence: missense variant.
Genome position (GRCh38, 1-based): chr13:99,982,427, C>A. VCF-style: chr13-99982427-C-A. GRCh37 (hg19) VCF-style: chr13-100634681-C-A.
Other names: short protein forms F121L.
Identifiers: ClinVar variation 3008317 (VCV003008317.3), dbSNP rs1476491363, ClinGen allele CA388637116.